The following is an entry in ClinVar:

ClinVar aggregate classification (germline): Conflicting classifications of pathogenicity. Review status: criteria provided, conflicting classifications (1 of 4 stars). 2 submissions from 2 submitters: Uncertain significance (1); Likely benign (1). Last evaluated 2023-05-01.

Conditions:
Charcot-Marie-Tooth disease type 4. Also called: Charcot-Marie-Tooth disease, type IV; Charcot-Marie-Tooth, Type 4. Identifiers: Orphanet 64749, MedGen C4082197, MONDO:0018995.

Allele frequency attached by ClinVar (database versions not stated): TOPMed below 0.00001; gnomAD 0.00001; ExAC 0.00002; gnomAD exomes 0.00002; 1000 Genomes Project 30x 0.00016; 1000 Genomes Project 0.00020.
gnomAD v4.1: 38 of 1,614,106 alleles (0.0024%); highest among the groups gnomAD compares: East Asian, 0.016%; no homozygotes.

Submissions (2):

CeGaT Center for Human Genetics Tuebingen
Classification: Likely benign. Last evaluated: 2023-05-01. Review status: criteria provided, single submitter. Criteria: CeGaT Center For Human Genetics Tuebingen Variant Classification Criteria Version 2. Collection method: clinical testing. Allele origin: germline. Affected: yes. Observed: 1 variant allele.
Comment: FIG4: BP4

Labcorp Genetics (formerly Invitae), Labcorp
Classification: Uncertain significance for Charcot-Marie-Tooth disease type 4. Last evaluated: 2022-10-13. Review status: criteria provided, single submitter. Criteria: Invitae Variant Classification Sherloc (09022015). Collection method: clinical testing. Allele origin: germline.
Comment: This sequence change replaces arginine, which is basic and polar, with glycine, which is neutral and non-polar, at codon 867 of the FIG4 protein (p.Arg867Gly). This variant is present in population databases (rs533419433, gnomAD 0.006%). This variant has not been reported in the literature in individuals affected with FIG4-related conditions. ClinVar contains an entry for this variant (Variation ID: 1412294). Algorithms developed to predict the effect of missense changes on protein structure and function (SIFT, PolyPhen-2, Align-GVGD) all suggest that this variant is likely to be tolerated. In summary, the available evidence is currently insufficient to determine the role of this variant in disease. Therefore, it has been classified as a Variant of Uncertain Significance.

NM_014845.6(FIG4):c.2599A>G (p.Arg867Gly)

Gene: FIG4 (FIG4 phosphoinositide 5-phosphatase; plus strand). Cytogenetic location: 6q21.
Variant type: single nucleotide variant.
Coding change: c.2599A>G on transcript NM_014845.6 (MANE Select); coding-DNA position 2599, A replaced by G.
Protein change: p.Arg867Gly; replaces arginine 867 with glycine.
Molecular consequence: missense variant.
Genome position (GRCh38, 1-based): chr6:109,825,140, A>G. VCF-style: chr6-109825140-A-G. GRCh37 (hg19) VCF-style: chr6-110146343-A-G.
Other names: short protein forms R867G.
Identifiers: ClinVar variation 1412294 (VCV001412294.28), dbSNP rs533419433, ClinGen allele CA3956463.